The following is an entry in ClinVar:

NM_015650.4(IFT54):c.2044del (p.Val682fs)

Gene: IFT54 (intraflagellar transport 54; plus strand). Cytogenetic location: 2q37.3.
Variant type: Deletion.
Coding change: c.2044del on transcript NM_015650.4 (MANE Select); coding-DNA position 2044, one base deleted (G; older notation c.2044delG).
Protein change: p.Val682fs; shifts the reading frame from valine 682.
Molecular consequence: frameshift variant.
Genome position (GRCh38, 1-based): chr2:238,398,887, G deleted; the last of 2 consecutive G bases (chr2:238,398,886-238,398,887); deleting either gives the same sequence. VCF-style (leftmost placement, unchanged base first): chr2-238398885-TG-T. GRCh37 (hg19) VCF-style: chr2-239307526-TG-T.
Other names: c.1846del, p.Val616fs (NM_001139490.1); short protein forms V682fs, V616fs.
Identifiers: ClinVar variation 941495 (VCV000941495.4), dbSNP rs768255999, ClinGen allele CA2198639.

ClinVar aggregate classification (germline): Uncertain significance. Review status: criteria provided, multiple submitters, no conflicts (2 of 4 stars). 2 submissions from 2 submitters: Uncertain significance (2). Last evaluated 2024-10-07.

Submissions (2):

Blueprint Genetics
Classification: Uncertain significance. Last evaluated: 2024-10-07. Review status: criteria provided, single submitter. Criteria: ACMG Guidelines, 2015. Collection method: clinical testing. Allele origin: germline.

Labcorp Genetics (formerly Invitae), Labcorp
Classification: Uncertain significance. Last evaluated: 2019-09-08. Review status: criteria provided, single submitter. Criteria: Invitae Variant Classification Sherloc (09022015). Collection method: clinical testing. Allele origin: germline.
Comment: This sequence change results in a premature translational stop signal in the TRAF3IP1 gene (p.Val682Tyrfs*6). While this is not anticipated to result in nonsense mediated decay, it is expected to disrupt the last 10 amino acids of the TRAF3IP1 protein. This variant is present in population databases (rs768255999, ExAC 0.05%). This variant has not been reported in the literature in individuals with TRAF3IP1-related conditions. In summary, the available evidence is currently insufficient to determine the role of this variant in disease. Therefore, it has been classified as a Variant of Uncertain Significance.